The following is an entry in ClinVar:

NM_004168.4(SDHA):c.1664-5C>T

Gene: SDHA (succinate dehydrogenase complex flavoprotein subunit A; plus strand). Cytogenetic location: 5p15.33.
Variant type: single nucleotide variant.
Coding change: c.1664-5C>T on transcript NM_004168.4 (MANE Select); 5 bases into the intron before coding-DNA position 1664, C replaced by T.
Molecular consequence: intron variant.
Genome position (GRCh38, 1-based): chr5:251,333, C>T. VCF-style: chr5-251333-C-T. GRCh37 (hg19) VCF-style: chr5-251448-C-T.
Other names: c.1552-3060C>T (NM_001330758.2); c.1520-5C>T (NM_001294332.2).
Identifiers: ClinVar variation 2452789 (VCV002452789.4), dbSNP rs1211852182, ClinGen allele CA809088918.

ClinVar aggregate classification (germline): Conflicting classifications of pathogenicity. Review status: criteria provided, conflicting classifications (1 of 4 stars). 2 submissions from 2 submitters: Uncertain significance (1); Likely benign (1). Last evaluated 2025-03-11.

Conditions:
Hereditary cancer-predisposing syndrome. Also called: Neoplastic Syndromes, Hereditary; Tumor predisposition; Hereditary Cancer Syndrome; Hereditary neoplastic syndrome. Identifiers: Orphanet 140162, MedGen C0027672, MeSH D009386, MONDO:0015356.
Pheochromocytoma/paraganglioma syndrome 5. Also called: Paragangliomas 5; SDHA-Related Hereditary Paraganglioma-Pheochromocytoma Syndrome. Identifiers: Orphanet 29072, MedGen C3279992, MONDO:0013602, OMIM 614165.

Allele frequency attached by ClinVar (database versions not stated): gnomAD exomes below 0.00001; TOPMed below 0.00001.
gnomAD v4.1: 1 of 1,612,452 alleles (0.000062%); highest among the groups gnomAD compares: South Asian, 0.0011%; no homozygotes.

Submissions (2):

Ambry Genetics
Classification: Uncertain significance for Hereditary cancer-predisposing syndrome. Last evaluated: 2025-03-11. Review status: criteria provided, single submitter. Criteria: Ambry Variant Classification Scheme 2023. Collection method: clinical testing. Allele origin: germline.
Comment: The c.1664-5C>T intronic variant results from a C to T substitution 5 nucleotides upstream from coding exon 13 in the SDHA gene. This nucleotide position is not well conserved in available vertebrate species. In silico splice site analysis predicts that this alteration will not have any significant effect on splicing. Based on the available evidence, the clinical significance of this variant remains unclear.

Myriad Genetics, Inc.
Classification: Likely benign for Pheochromocytoma/paraganglioma syndrome 5. Last evaluated: 2025-03-11. Review status: criteria provided, single submitter. Criteria: Myriad Autosomal Dominant, Autosomal Recessive and X-Linked Classification Criteria (2023). Collection method: clinical testing. Allele origin: unknown.
Comment: This variant is considered likely benign. This variant is intronic and is not expected to impact mRNA splicing.